The following is an entry in ClinVar:

NM_001374259.2(IL12RB2):c.480-1G>A

Gene: IL12RB2 (interleukin 12 receptor subunit beta 2; plus strand). Cytogenetic location: 1p31.3.
Variant type: single nucleotide variant.
Coding change: c.480-1G>A on transcript NM_001374259.2 (MANE Select); the canonical splice acceptor site of the intron before coding-DNA position 480, G replaced by A.
Molecular consequence: splice acceptor variant.
Genome position (GRCh38, 1-based): chr1:67,328,199, G>A. VCF-style: chr1-67328199-G-A. GRCh37 (hg19) VCF-style: chr1-67793882-G-A.
Other names: c.480-1G>A (NM_001258214.1, NM_001319233.1, NM_001258216.1 and 2 more transcripts).
Identifiers: ClinVar variation 1504033 (VCV001504033.8), dbSNP rs1232866382, ClinGen allele CA340732775.

ClinVar aggregate classification (germline): Uncertain significance (1 of 4 stars; one submission).

Allele frequency attached by ClinVar (database versions not stated): gnomAD exomes below 0.00001.
gnomAD v4.1: 2 of 1,608,538 alleles (0.00012%); highest among the groups gnomAD compares: Non-Finnish European, 0.00017%; no homozygotes.

Submission:

Labcorp Genetics (formerly Invitae), Labcorp
Classification: Uncertain significance. Last evaluated: 2025-08-17. Review status: criteria provided, single submitter. Criteria: Invitae Variant Classification Sherloc (09022015). Collection method: clinical testing. Allele origin: germline.
Comment: This sequence change affects an acceptor splice site in intron 4 of the IL12RB2 gene. It is expected to disrupt RNA splicing. Variants that disrupt the donor or acceptor splice site typically lead to a loss of protein function (PMID: 16199547), however the current clinical and genetic evidence is not sufficient to establish whether loss-of-function variants in IL12RB2 cause disease. This variant is not present in population databases (gnomAD no frequency). This variant has not been reported in the literature in individuals affected with IL12RB2-related conditions. ClinVar contains an entry for this variant (Variation ID: 1504033). Algorithms developed to predict the effect of sequence changes on RNA splicing suggest that this variant may disrupt the consensus splice site. In summary, the available evidence is currently insufficient to determine the role of this variant in disease. Therefore, it has been classified as a Variant of Uncertain Significance.

Literature cited by the submitters: PubMed 16199547.